The following is an entry in ClinVar:

NM_001903.5(CTNNA1):c.1617C>A (p.Asp539Glu)

Gene: CTNNA1 (catenin alpha 1; plus strand). Cytogenetic location: 5q31.2.
Variant type: single nucleotide variant.
Coding change: c.1617C>A on transcript NM_001903.5 (MANE Select); coding-DNA position 1617, C replaced by A.
Protein change: p.Asp539Glu; replaces aspartic acid 539 with glutamic acid.
Molecular consequence: missense variant.
Genome position (GRCh38, 1-based): chr5:138,924,580, C>A. VCF-style: chr5-138924580-C-A. GRCh37 (hg19) VCF-style: chr5-138260269-C-A.
Other names: c.1617C>A, p.Asp539Glu (NM_001290307.3, NM_001323982.2, NM_001323983.1 and 2 more transcripts); c.1308C>A, p.Asp436Glu (NM_001290309.3); c.1248C>A, p.Asp416Glu (NM_001290310.3); c.507C>A, p.Asp169Glu (NM_001290312.1, NM_001323987.1, NM_001323988.1 and 17 more transcripts); c.1524C>A, p.Asp508Glu (NM_001323986.2); c.168C>A, p.Asp56Glu (NM_001324006.1, NM_001324007.1, NM_001324008.1 and 2 more transcripts); c.414C>A, p.Asp138Glu (NM_001324011.1); c.264C>A, p.Asp88Glu (NM_001324012.1, NM_001324013.1); short protein forms D138E, D539E, D56E, D169E, D416E, D436E, D88E, D508E.
Identifiers: ClinVar variation 646612 (VCV000646612.12), dbSNP rs1353833789, ClinGen allele CA361131833.

ClinVar aggregate classification (germline): Uncertain significance. Review status: criteria provided, multiple submitters, no conflicts (2 of 4 stars). 2 submissions from 2 submitters: Uncertain significance (2). Last evaluated 2025-12-10.

Conditions:
Hereditary cancer-predisposing syndrome. Also called: Hereditary Cancer Syndrome; Tumor predisposition; Hereditary neoplastic syndrome; Neoplastic Syndromes, Hereditary. Identifiers: Orphanet 140162, MedGen C0027672, MeSH D009386, MONDO:0015356.

Allele frequency attached by ClinVar (database versions not stated): gnomAD exomes below 0.00001; TOPMed 0.00002; gnomAD 0.00003 and 0.00004.
gnomAD v4.1: 6 of 1,614,064 alleles (0.00037%); highest among the groups gnomAD compares: African/African-American, 0.008%; no homozygotes.

Submissions (2):

Labcorp Genetics (formerly Invitae), Labcorp
Classification: Uncertain significance. Last evaluated: 2025-12-10. Review status: criteria provided, single submitter. Criteria: Invitae Variant Classification Sherloc (09022015). Collection method: clinical testing. Allele origin: germline.
Comment: This sequence change replaces aspartic acid, which is acidic and polar, with glutamic acid, which is acidic and polar, at codon 539 of the CTNNA1 protein (p.Asp539Glu). This variant is present in population databases (no rsID available, gnomAD 0.01%). This variant has not been reported in the literature in individuals affected with CTNNA1-related conditions. ClinVar contains an entry for this variant (Variation ID: 646612). Invitae Evidence Modeling of protein sequence and biophysical properties (such as structural, functional, and spatial information, amino acid conservation, physicochemical variation, residue mobility, and thermodynamic stability) indicates that this missense variant is not expected to disrupt CTNNA1 protein function with a negative predictive value of 80%. In summary, the available evidence is currently insufficient to determine the role of this variant in disease. Therefore, it has been classified as a Variant of Uncertain Significance.

Ambry Genetics
Classification: Uncertain significance for Hereditary cancer-predisposing syndrome. Last evaluated: 2024-06-13. Review status: criteria provided, single submitter. Criteria: Ambry Variant Classification Scheme 2023. Collection method: clinical testing. Allele origin: germline.
Comment: The p.D539E variant (also known as c.1617C>A), located in coding exon 11 of the CTNNA1 gene, results from a C to A substitution at nucleotide position 1617. The aspartic acid at codon 539 is replaced by glutamic acid, an amino acid with highly similar properties. This amino acid position is highly conserved in available vertebrate species. In addition, the in silico prediction for this alteration is inconclusive. The evidence for this gene-disease relationship is limited; therefore, the clinical significance of this alteration is unclear.